The following is an entry in ClinVar:

NM_001035.3(RYR2):c.14148C>A (p.Asp4716Glu)

Gene: RYR2 (ryanodine receptor 2; plus strand). Cytogenetic location: 1q43.
Variant type: single nucleotide variant.
Coding change: c.14148C>A on transcript NM_001035.3 (MANE Select); coding-DNA position 14148, C replaced by A.
Protein change: p.Asp4716Glu; replaces aspartic acid 4716 with glutamic acid.
Molecular consequence: missense variant.
Genome position (GRCh38, 1-based): chr1:237,801,913, C>A. VCF-style: chr1-237801913-C-A. GRCh37 (hg19) VCF-style: chr1-237965213-C-A.
Other names: c.14148C>A, p.Asp4716Glu (LRG_402t1); short protein forms D4716E.
Identifiers: ClinVar variation 238223 (VCV000238223.10), dbSNP rs778193795, ClinGen allele CA10581781.

ClinVar aggregate classification (germline): Uncertain significance (1 of 4 stars; one submission).

Conditions:
Catecholaminergic polymorphic ventricular tachycardia 1. Also called: VENTRICULAR TACHYCARDIA, CATECHOLAMINERGIC POLYMORPHIC, 1, WITH OR WITHOUT ATRIAL DYSFUNCTION AND/OR DILATED CARDIOMYOPATHY; RYR2-Related Catecholaminergic Polymorphic Ventricular Tachycardia; VENTRICULAR TACHYCARDIA, STRESS-INDUCED POLYMORPHIC 1. Identifiers: Orphanet 3286, MedGen C1631597, MONDO:0011484, OMIM 604772.

Submission:

Labcorp Genetics (formerly Invitae), Labcorp
Classification: Uncertain significance for Catecholaminergic polymorphic ventricular tachycardia 1. Last evaluated: 2020-06-04. Review status: criteria provided, single submitter. Criteria: Invitae Variant Classification Sherloc (09022015). Collection method: clinical testing. Allele origin: germline.
Comment: In summary, this is a novel missense change with uncertain impact on protein function. It has been classified as a Variant of Uncertain Significance. This sequence change replaces aspartic acid with glutamic acid at codon 4716 of the RYR2 protein (p.Asp4716Glu). The aspartic acid residue is highly conserved and there is a small physicochemical difference between aspartic acid and glutamic acid. This variant is not present in population databases (ExAC no frequency) and has not been reported in the literature in individuals with a RYR2-related disease. Algorithms developed to predict the effect of missense changes on protein structure and function do not agree on the potential impact of this missense change (SIFT: "Deleterious"; PolyPhen-2: "Probably Damaging"; Align-GVGD: "Class C0").